The following is an entry in ClinVar:

NM_014920.5(CILK1):c.50C>T (p.Ser17Phe)

Gene: CILK1 (ciliogenesis associated kinase 1; minus strand). Cytogenetic location: 6p12.1.
Variant type: single nucleotide variant.
Coding change: c.50C>T on transcript NM_014920.5 (MANE Select); coding-DNA position 50, C replaced by T.
Protein change: p.Ser17Phe; replaces serine 17 with phenylalanine.
Molecular consequence: missense variant. On other transcripts: non-coding transcript variant (1).
Genome position (GRCh38, 1-based): chr6:53,041,187, G>A on the plus strand (C>T on the coding strand, the complement: CILK1 is on the minus strand). VCF-style: chr6-53041187-G-A. GRCh37 (hg19) VCF-style: chr6-52905985-G-A.
Other names: c.50C>T, p.Ser17Phe (NM_001375397.1, NM_001375398.1, NM_001375399.1 and 4 more transcripts); short protein forms S17F.
Identifiers: ClinVar variation 3607008 (VCV003607008.3).
Genomic context (GRCh38, chr6:53,041,187, plus strand): 5'-CAAACTTACTTTTTAATAGCGATCAGCTCCCCAGACTCAATGCTTCTTCCCAGCAGGACG[G>A]AACCGTAGGTTCCATCCCCGAGCTGCCTGATTGTTGTGTATCTATTCATGGTGTGCCTGC-3'
Protein context (NP_055735.1, residues 7-27): IRQLGDGTYG[Ser17Phe]VLLGRSIESG

ClinVar aggregate classification (germline): Uncertain significance. Review status: criteria provided, multiple submitters, no conflicts (2 of 4 stars). 2 submissions from 2 submitters: Uncertain significance (2). Last evaluated 2024-10-14.

gnomAD v4.1: 16 of 1,614,030 alleles (0.00099%); highest among the groups gnomAD compares: East Asian, 0.018%; no homozygotes.

Submissions (2):

Labcorp Genetics (formerly Invitae), Labcorp
Classification: Uncertain significance. Last evaluated: 2024-10-14. Review status: criteria provided, single submitter. Criteria: Invitae Variant Classification Sherloc (09022015). Collection method: clinical testing. Allele origin: germline.
Comment: This sequence change replaces serine, which is neutral and polar, with phenylalanine, which is neutral and non-polar, at codon 17 of the ICK protein (p.Ser17Phe). This variant is present in population databases (rs748863767, gnomAD 0.0009%). This variant has not been reported in the literature in individuals affected with ICK-related conditions. Invitae Evidence Modeling of protein sequence and biophysical properties (such as structural, functional, and spatial information, amino acid conservation, physicochemical variation, residue mobility, and thermodynamic stability) indicates that this missense variant is expected to disrupt ICK protein function with a positive predictive value of 80%. In summary, the available evidence is currently insufficient to determine the role of this variant in disease. Therefore, it has been classified as a Variant of Uncertain Significance.

Blueprint Genetics
Classification: Uncertain significance. Last evaluated: 2023-03-06. Review status: criteria provided, single submitter. Criteria: ACMG Guidelines, 2015. Collection method: clinical testing. Allele origin: germline.